The following is an entry in ClinVar:

NM_152513.4(MEI1):c.3346-8_3346-7del

Gene: MEI1 (meiotic double-stranded break formation protein 1; plus strand). Cytogenetic location: 22q13.2.
Variant type: Deletion.
Coding change: c.3346-8_3346-7del on transcript NM_152513.4 (MANE Select); 8 bases into the intron before coding-DNA position 3346 through 7 bases into the intron before coding-DNA position 3346, 2 bases deleted (TT; older notation c.3346-8_3346-7delTT).
Molecular consequence: intron variant.
Genome position (GRCh38, 1-based): chr22:41,793,821-41,793,822, TT deleted; deleting any 2 consecutive bases within chr22:41,793,807-41,793,822 gives the same sequence; the c. name uses the placement nearest the transcript's 3' end. VCF-style (leftmost placement, unchanged base first): chr22-41793806-ATT-A. GRCh37 (hg19) VCF-style: chr22-42189810-ATT-A.
Other names: NC_000022.10:g.42189825_42189826del.
Identifiers: ClinVar variation 3037166 (VCV003037166.3), dbSNP rs113484758, ClinGen allele CA10260833.

ClinVar aggregate classification (germline): Benign (0 of 4 stars; one submission).

Conditions:
MEI1-related disorder. Also called: MEI1-related condition.

Submissions (8):

PreventionGenetics, part of Exact Sciences
Classification: Benign for MEI1-related condition. Last evaluated: 2019-03-06. Review status: no assertion criteria provided. Collection method: clinical testing. Allele origin: germline.
Comment: This variant is classified as benign based on ACMG/AMP sequence variant interpretation guidelines (Richards et al. 2015 PMID: 25741868, with internal and published modifications).

Dr. Peter K. Rogan Lab, Western University
No classification provided (evidence only). Condition: Colon adenocarcinoma. Review status: no classification provided. Collection method: in vitro. Allele origin: not applicable. Functional consequence: skipped exon. Not counted in ClinVar's aggregate classification.

Dr. Peter K. Rogan Lab, Western University
No classification provided (evidence only). Condition: Malignant lymphoma, large B-cell, diffuse. Review status: no classification provided. Collection method: in vitro. Allele origin: not applicable. Functional consequence: retained intron. Not counted in ClinVar's aggregate classification.

Dr. Peter K. Rogan Lab, Western University
No classification provided (evidence only). Condition: Colorectal cancer. Review status: no classification provided. Collection method: in vitro. Allele origin: not applicable. Functional consequence: retained intron. Not counted in ClinVar's aggregate classification.

Dr. Peter K. Rogan Lab, Western University
No classification provided (evidence only). Condition: Uterine corpus endometrial carcinoma. Review status: no classification provided. Collection method: in vitro. Allele origin: not applicable. Functional consequence: retained intron. Not counted in ClinVar's aggregate classification.

Dr. Peter K. Rogan Lab, Western University
No classification provided (evidence only). Condition: Uterine corpus endometrial carcinoma. Review status: no classification provided. Collection method: in vitro. Allele origin: not applicable. Functional consequence: retained intron. Not counted in ClinVar's aggregate classification.

Dr. Peter K. Rogan Lab, Western University
No classification provided (evidence only). Condition: Malignant tumor of esophagus. Review status: no classification provided. Collection method: in vitro. Allele origin: not applicable. Functional consequence: retained intron. Not counted in ClinVar's aggregate classification.

Dr. Peter K. Rogan Lab, Western University
No classification provided (evidence only). Condition: Malignant tumor of esophagus. Review status: no classification provided. Collection method: in vitro. Allele origin: not applicable. Functional consequence: retained intron. Not counted in ClinVar's aggregate classification.